The following is an entry in ClinVar:

ClinVar aggregate classification (germline): Uncertain significance. Review status: criteria provided, multiple submitters, no conflicts (2 of 4 stars). 3 submissions from 3 submitters: Uncertain significance (3). Last evaluated 2022-06-14.

Conditions:
Charcot-Marie-Tooth disease type 4. Also called: Charcot-Marie-Tooth disease, type IV; Charcot-Marie-Tooth, Type 4. Identifiers: Orphanet 64749, MedGen C4082197, MONDO:0018995.
Charcot-Marie-Tooth disease type 4B1. Also called: CHARCOT-MARIE-TOOTH DISEASE, AUTOSOMAL RECESSIVE, WITH FOCALLY FOLDED MYELIN SHEATHS, AUTOSOMAL RECESSIVE, TYPE 4B1; CHARCOT-MARIE-TOOTH DISEASE, TYPE 4B; Charcot-Marie-Tooth Neuropathy Type 4B1; CHARCOT-MARIE-TOOTH DISEASE, DEMYELINATING, TYPE 4B1. Identifiers: Orphanet 99955, MedGen C1832399, MONDO:0011066, OMIM 601382.

Allele frequency attached by ClinVar (database versions not stated): gnomAD exomes 0.00001; gnomAD 0.00002; TOPMed 0.00002.
gnomAD v4.1: 34 of 1,613,016 alleles (0.0021%); highest among the groups gnomAD compares: African/African-American, 0.0067%; no homozygotes.

Submissions (3):

Labcorp Genetics (formerly Invitae), Labcorp
Classification: Uncertain significance for Charcot-Marie-Tooth disease type 4. Last evaluated: 2022-06-14. Review status: criteria provided, single submitter. Criteria: Invitae Variant Classification Sherloc (09022015). Collection method: clinical testing. Allele origin: germline.
Comment: This sequence change replaces glutamine, which is neutral and polar, with glutamic acid, which is acidic and polar, at codon 615 of the MTMR2 protein (p.Gln615Glu). This variant is present in population databases (no rsID available, gnomAD 0.02%). This variant has not been reported in the literature in individuals affected with MTMR2-related conditions. ClinVar contains an entry for this variant (Variation ID: 306534). Algorithms developed to predict the effect of missense changes on protein structure and function (SIFT, PolyPhen-2, Align-GVGD) all suggest that this variant is likely to be tolerated. In summary, the available evidence is currently insufficient to determine the role of this variant in disease. Therefore, it has been classified as a Variant of Uncertain Significance.

GeneDx
Classification: Uncertain significance. Last evaluated: 2019-12-06. Review status: criteria provided, single submitter. Criteria: GeneDx Variant Classification Process June 2021. Collection method: clinical testing. Allele origin: germline. Affected: yes.
Comment: In silico analysis, which includes protein predictors and evolutionary conservation, supports that this variant does not alter protein structure/function; Has not been previously published as pathogenic or benign to our knowledge

Illumina Laboratory Services, Illumina
Classification: Uncertain significance for Charcot-Marie-Tooth disease type 4B1. Last evaluated: 2018-01-13. Review status: criteria provided, single submitter. Criteria: ICSL Variant Classification Criteria 13 December 2019. Collection method: clinical testing. Allele origin: germline.

NM_016156.6(MTMR2):c.1843C>G (p.Gln615Glu)

Gene: MTMR2 (myotubularin related protein 2; minus strand). Cytogenetic location: 11q21.
Variant type: single nucleotide variant.
Coding change: c.1843C>G on transcript NM_016156.6 (MANE Select); coding-DNA position 1843, C replaced by G.
Protein change: p.Gln615Glu; replaces glutamine 615 with glutamic acid.
Molecular consequence: missense variant.
Genome position (GRCh38, 1-based): chr11:95,835,379, G>C on the plus strand (C>G on the coding strand, the complement: MTMR2 is on the minus strand). VCF-style: chr11-95835379-G-C. GRCh37 (hg19) VCF-style: chr11-95568543-G-C.
Other names: c.1627C>G, p.Gln543Glu (NM_001243571.2, NM_201278.3, NM_201281.3); short protein forms Q615E, Q543E.
Identifiers: ClinVar variation 306534 (VCV000306534.13), dbSNP rs886048770, ClinGen allele CA10631767.